The following is an entry in ClinVar:

NM_175914.5(HNF4A):c.1321A>G (p.Ile441Val)

Gene: HNF4A (hepatocyte nuclear factor 4 alpha; plus strand). Cytogenetic location: 20q13.12.
Variant type: single nucleotide variant.
Coding change: c.1321A>G on transcript NM_175914.5 (MANE Select); coding-DNA position 1321, A replaced by G.
Protein change: p.Ile441Val; replaces isoleucine 441 with valine.
Molecular consequence: missense variant.
Genome position (GRCh38, 1-based): chr20:44,429,627, A>G. VCF-style: chr20-44429627-A-G. GRCh37 (hg19) VCF-style: chr20-43058267-A-G.
Other names: NM_175914.5(HNF4A):c.1321A>G; p.Ile441Val; c.1387A>G (NM_000457.5); c.1387A>G, p.Ile463Val (NM_000457.6); c.1291A>G, p.Ile431Val (NM_001030003.3); c.1366A>G, p.Ile456Val (NM_001258355.2); c.1282A>G, p.Ile428Val (NM_001287182.2); c.1312A>G, p.Ile438Val (NM_001287183.2); and 1 more; short protein forms I431V, I441V, I453V, I463V, I438V, I456V, I428V.
Identifiers: ClinVar variation 36345 (VCV000036345.84), dbSNP rs147638455, ClinGen allele CA213913.

ClinVar aggregate classification (germline): Benign. Review status: reviewed by expert panel (3 of 4 stars). 15 submissions from 14 submitters: Benign (1). 14 of the submissions do not count toward it. Last evaluated 2025-06-09.

Conditions:
Monogenic diabetes. Identifiers: Orphanet 183625, MedGen C3888631, MONDO:0015967.
Autosomal dominant polycystic liver disease. Also called: Polycystic liver disease; Congenital cystic disease of liver. Identifiers: Orphanet 2924, MedGen C0158683, MONDO:0000447, HP:0006557.
Fanconi renotubular syndrome 4 with maturity-onset diabetes of the young (FRTS4). Also called: FRTS4 WITH MODY. Identifiers: Orphanet 93111, MedGen C4014962, MONDO:0014458, OMIM 616026.
Type 2 diabetes mellitus. Also called: Type II diabetes mellitus. Identifiers: MedGen C0011860, MeSH D003924, MONDO:0005148, OMIM 125853, HP:0005978.
Maturity-onset diabetes of the young type 1. Also called: MILD JUVENILE DIABETES MELLITUS; MODY type 1; Diabetes mellitus MODY type 1; MODY HNF4A related; HNF4A-Related Maturity-Onset Diabetes of the Young Type 1; MODY, type I. Identifiers: Orphanet 552, MedGen C1852093, MONDO:0007452, OMIM 125850. Disease mechanism: loss of function.
Maturity-onset diabetes of the young (MODY). Also called: Maturity onset diabetes mellitus in young. Identifiers: Orphanet 552, MedGen C0342276, MONDO:0018911, HP:0004904.
Familial hyperinsulinism. Also called: Congenital hyperinsulinism. Identifiers: Orphanet 276525, MedGen C3888018, MONDO:0017182. Disease mechanism: loss of function.

Allele frequency attached by ClinVar (database versions not stated): gnomAD exomes 0.00025 and 0.00037; gnomAD 0.00027 and 0.00061; ESP Exome Variant Server 0.00031; ExAC 0.00033; TOPMed 0.00083.
gnomAD v4.1: 489 of 1,613,804 alleles (0.03%); highest among the groups gnomAD compares: Middle Eastern, 1.2%; 8 homozygotes.

Submissions (15):

ClinGen Monogenic Diabetes Variant Curation Expert Panel
Classification: Benign for Monogenic diabetes. Last evaluated: 2025-06-09. Review status: reviewed by expert panel. Criteria: ClinGen Diabetes ACMG Specifications HNF4A V2.0.0. Collection method: curation. Allele origin: germline. Inheritance: Autosomal dominant inheritance.
Comment: The c.1321A>G variant in the hepatocyte nuclear factor 4-alpha gene, HNF4A, causes an amino acid change of isoleucine to valine at codon 441 (p.(Ile441Val)) of NM_175914.4. This variant has a Grpmax Filtering allele frequency in gnomAD 2.1.1 of 0.0005025, which is greater than the MDEP threshold for BA1 (BA1). This variant was identified in an individual with a clinical history highly specific for HNF4A-MODY (MODY probability calculator result >50%, negative genetic testing for HNF1A, and GAD negative) (PP4_Moderate, internal contributors). There is evidence in vitro that this variant has identical transactivation activity to wildtype, indicating that this variant does not impact protein function (BS3_Supporting, PMID: 30191603). This variant does not segregate with diabetes in three families (BS4; internal lab contributors, PMIDs: 25905084, 10227563, 33324081). This variant was identified in a patient with an alternate molecular basis for disease (BP5; internal lab contributors). This variant has a REVEL score of 0.354, which is between the ClinGen MDEP thresholds for BP4 and PP3, predicting neither a damaging nor benign impact on HNF1A function. In summary, c.1321A>G p.(Ile441Val) meets the criteria to be classified as benign for monogenic diabetes. ACMG/AMP criteria applied, as specified by the ClinGen MDEP VCEP (specification version 2.0.0, approved 10/11/2023): BA1, PP4_Moderate, BS3_Supporting, BS4, BP5.

Labcorp Genetics (formerly Invitae), Labcorp
Classification: Uncertain significance. Last evaluated: 2024-12-31. Review status: criteria provided, single submitter. Criteria: Invitae Variant Classification Sherloc (09022015). Collection method: clinical testing. Allele origin: germline. Not counted in ClinVar's aggregate classification.
Comment: This sequence change replaces isoleucine, which is neutral and non-polar, with valine, which is neutral and non-polar, at codon 441 of the HNF4A protein (p.Ile441Val). This variant is present in population databases (rs147638455, gnomAD 0.07%), and has an allele count higher than expected for a pathogenic variant. This missense change has been observed in individual(s) with maturity onset diabetes of the young (PMID: 10227563, 21105491, 23247789, 26059258, 31595705, 33846082, 34373539, 35256061). This variant is also known as p.Ile454Val, p.Ile463Val. ClinVar contains an entry for this variant (Variation ID: 36345). Invitae Evidence Modeling of protein sequence and biophysical properties (such as structural, functional, and spatial information, amino acid conservation, physicochemical variation, residue mobility, and thermodynamic stability) has been performed for this missense variant. However, the output from this modeling did not meet the statistical confidence thresholds required to predict the impact of this variant on HNF4A protein function. In summary, the available evidence is currently insufficient to determine the role of this variant in disease. Therefore, it has been classified as a Variant of Uncertain Significance.

Blueprint Genetics
Classification: Likely benign. Last evaluated: 2024-09-17. Review status: criteria provided, single submitter. Criteria: ACMG Guidelines, 2015. Collection method: clinical testing. Allele origin: germline. Not counted in ClinVar's aggregate classification.

Ambry Genetics
Classification: Likely benign for Maturity-onset diabetes of the young. Last evaluated: 2024-05-21. Review status: criteria provided, single submitter. Criteria: Ambry Variant Classification Scheme 2023. Collection method: clinical testing. Allele origin: germline. Not counted in ClinVar's aggregate classification.

CeGaT Center for Human Genetics Tuebingen
Classification: Likely benign. Last evaluated: 2024-04-01. Review status: criteria provided, single submitter. Criteria: CeGaT Center For Human Genetics Tuebingen Variant Classification Criteria Version 2. Collection method: clinical testing. Allele origin: germline. Affected: yes. Observed: 3 variant alleles. Not counted in ClinVar's aggregate classification.
Comment: HNF4A: BS1

Genetic Services Laboratory, University of Chicago
Classification: Likely benign. Last evaluated: 2021-11-04. Review status: criteria provided, single submitter. Criteria: ACMG Guidelines, 2015. Collection method: clinical testing. Allele origin: germline. Affected: no. Not counted in ClinVar's aggregate classification.

GeneDx
Classification: Likely benign. Last evaluated: 2021-05-05. Review status: criteria provided, single submitter. Criteria: GeneDx Variant Classification Process June 2021. Collection method: clinical testing. Allele origin: germline. Affected: yes. Not counted in ClinVar's aggregate classification.
Comment: This variant is associated with the following publications: (PMID: 23227446, 27884173, 24097065, 25905084, 26059258, 10227563, 21105491, 10768098, 31264968, 31595705)

Women's Health and Genetics/Laboratory Corporation of America, LabCorp
Classification: Likely benign. Last evaluated: 2021-03-30. Review status: criteria provided, single submitter. Criteria: LabCorp Variant Classification Summary - May 2015. Collection method: clinical testing. Allele origin: germline. Not counted in ClinVar's aggregate classification.
Comment: Variant summary: HNF4A c.1321A>G (p.Ile441Val) results in a conservative amino acid change in the encoded protein sequence. Three of five in-silico tools predict a benign effect of the variant on protein function. The variant allele was found at a frequency of 0.00037 in 251452 control chromosomes, predominantly at a frequency of 0.00072 within the Latino subpopulation in the gnomAD database. The observed variant frequency within Latino control individuals in the gnomAD database is approximately 230 fold of the estimated maximal expected allele frequency for a pathogenic variant in HNF4A causing Maturity Onset Diabetes of the Young 1/Neonatal Diabetes Mellitus phenotype (3.1e-06), strongly suggesting that the variant is a benign polymorphism found primarily in populations of Latino origin. c.1321A>G has been reported in the literature (example: deSantana_2019, Majidi_2018). These reports however, do not provide unequivocal conclusions about association of the variant with Maturity Onset Diabetes of the Young 1/Neonatal Diabetes Mellitus. At least one publication reports experimental evidence evaluating an impact on protein function. These results showed no damaging effect of this variant (Guo_2019). Five ClinVar submitters (evaluation after 2014) cite the variant as likely benign (n=1) or uncertain significance (n=4). Based on the evidence outlined above, the variant was classified as likely benign.

AiLife Diagnostics
Classification: Uncertain significance. Last evaluated: 2021-02-21. Review status: criteria provided, single submitter. Criteria: ACMG Guidelines, 2015. Collection method: clinical testing. Allele origin: germline. Affected: yes. Observed: 1 variant allele. Not counted in ClinVar's aggregate classification.

Athena Diagnostics
Classification: Likely benign. Last evaluated: 2019-12-13. Review status: criteria provided, single submitter. Criteria: Athena Diagnostics Criteria. Collection method: clinical testing. Allele origin: unknown. Not counted in ClinVar's aggregate classification.

Fulgent Genetics
Classification: Uncertain significance for Maturity-onset diabetes of the young type 1; Type 2 diabetes mellitus; Fanconi renotubular syndrome 4 with maturity-onset diabetes of the young. Last evaluated: 2018-10-31. Review status: criteria provided, single submitter. Criteria: ACMG Guidelines, 2015. Collection method: clinical testing. Allele origin: unknown. Not counted in ClinVar's aggregate classification.

Illumina Laboratory Services, Illumina
Classification: Uncertain significance for Maturity-onset diabetes of the young type 1. Last evaluated: 2017-04-27. Review status: criteria provided, single submitter. Criteria: ICSL Variant Classification Criteria 13 December 2019. Collection method: clinical testing. Allele origin: germline. Not counted in ClinVar's aggregate classification.
Comment: This variant was observed as part of a predisposition screen in an ostensibly healthy population. A literature search was performed for the gene, cDNA change, and amino acid change (where applicable). Publications were found based on this search. However, the evidence from the literature, in combination with allele frequency data from public databases where available, was not sufficient to rule this variant in or out of causing disease. Therefore, this variant is classified as a variant of unknown significance.

Illumina Laboratory Services, Illumina
Classification: Uncertain significance for Familial hyperinsulinism. Last evaluated: 2017-04-27. Review status: criteria provided, single submitter. Criteria: ICSL Variant Classification Criteria 13 December 2019. Collection method: clinical testing. Allele origin: germline. Not counted in ClinVar's aggregate classification.
Comment: the same text as in the submission from Illumina Laboratory Services, Illumina above.

Eurofins Ntd Llc (ga)
Classification: Uncertain significance. Last evaluated: 2015-11-16. Review status: criteria provided, single submitter. Criteria: EGL Classification Definitions 2015. Collection method: clinical testing. Allele origin: germline. Observed: 1 variant allele, 1 heterozygote. Not counted in ClinVar's aggregate classification.

Laboratory of Gastroenterology and Hepatology, Radboud University Medical Center
Classification: Uncertain significance for Autosomal dominant polycystic liver disease. Last evaluated: 2021-09-01. Review status: no assertion criteria provided. Collection method: research. Allele origin: germline. Affected: yes. Not counted in ClinVar's aggregate classification.

Literature cited by the submitters: PubMed 30191603 (cited by 3 submitters); PubMed 10227563 (cited by 5 submitters); PubMed 21105491 (cited by 5 submitters); PubMed 23247789 (cited by 3 submitters); PubMed 26059258 (cited by Labcorp Genetics (formerly Invitae), Labcorp and Athena Diagnostics); PubMed 31595705 (cited by 3 submitters); PubMed 33846082 (cited by Labcorp Genetics (formerly Invitae), Labcorp); PubMed 34373539 (cited by Labcorp Genetics (formerly Invitae), Labcorp); PubMed 35256061 (cited by Labcorp Genetics (formerly Invitae), Labcorp); PubMed 29355436 (cited by Women's Health and Genetics/Laboratory Corporation of America, LabCorp); PubMed 27884173 (cited by AiLife Diagnostics); PubMed 24097065 (cited by 3 submitters); PubMed 31264968 (cited by AiLife Diagnostics); PubMed 25905084 (cited by Athena Diagnostics); PubMed 23227446 (cited by Athena Diagnostics).